The following is an entry in ClinVar:

ClinVar aggregate classification (germline): Uncertain significance. Review status: criteria provided, multiple submitters, no conflicts (2 of 4 stars). 2 submissions from 2 submitters: Uncertain significance (2). Last evaluated 2024-08-04.

Conditions:
Periodic fever-infantile enterocolitis-autoinflammatory syndrome. Also called: Autoinflammation with infantile enterocolitis. Identifiers: Orphanet 436166, MedGen C4015067, MONDO:0014472, OMIM 616050.
Familial cold autoinflammatory syndrome 4 (FCAS4). Identifiers: Orphanet 47045, Orphanet 576349, MedGen C4015276, MONDO:0014498, OMIM 616115.
Inborn genetic diseases. Identifiers: MedGen C0950123, MeSH D030342.

Allele frequency attached by ClinVar (database versions not stated): ExAC 0.00002.
gnomAD v4.1: 10 of 1,613,722 alleles (0.00062%); highest among the groups gnomAD compares: South Asian, 0.0088%; no homozygotes.

Submissions (2):

Labcorp Genetics (formerly Invitae), Labcorp
Classification: Uncertain significance for Periodic fever-infantile enterocolitis-autoinflammatory syndrome; Familial cold autoinflammatory syndrome 4. Last evaluated: 2024-08-04. Review status: criteria provided, single submitter. Criteria: Invitae Variant Classification Sherloc (09022015). Collection method: clinical testing. Allele origin: germline.
Comment: This sequence change replaces leucine, which is neutral and non-polar, with isoleucine, which is neutral and non-polar, at codon 822 of the NLRC4 protein (p.Leu822Ile). This variant is present in population databases (rs762262611, gnomAD 0.02%). This variant has not been reported in the literature in individuals affected with NLRC4-related conditions. ClinVar contains an entry for this variant (Variation ID: 2528402). Advanced modeling of protein sequence and biophysical properties (such as structural, functional, and spatial information, amino acid conservation, physicochemical variation, residue mobility, and thermodynamic stability) performed at Invitae indicates that this missense variant is expected to disrupt NLRC4 protein function with a positive predictive value of 80%. In summary, the available evidence is currently insufficient to determine the role of this variant in disease. Therefore, it has been classified as a Variant of Uncertain Significance.

Ambry Genetics
Classification: Uncertain significance for Inborn genetic diseases. Last evaluated: 2023-03-22. Review status: criteria provided, single submitter. Criteria: Ambry Variant Classification Scheme 2023. Collection method: clinical testing. Allele origin: germline.

NM_001199138.2(NLRC4):c.2464C>A (p.Leu822Ile)

Gene: NLRC4 (NLR family CARD domain containing 4; minus strand). Cytogenetic location: 2p22.3.
Variant type: single nucleotide variant.
Coding change: c.2464C>A on transcript NM_001199138.2 (MANE Select); coding-DNA position 2464, C replaced by A.
Protein change: p.Leu822Ile; replaces leucine 822 with isoleucine.
Molecular consequence: missense variant.
Genome position (GRCh38, 1-based): chr2:32,238,189, G>T on the plus strand (C>A on the coding strand, the complement: NLRC4 is on the minus strand). VCF-style: chr2-32238189-G-T. GRCh37 (hg19) VCF-style: chr2-32463258-G-T.
Other names: c.2464C>A, p.Leu822Ile (NM_001199139.2, NM_021209.5); c.469C>A, p.Leu157Ile (NM_001302504.2); short protein forms L157I, L822I.
Identifiers: ClinVar variation 2528402 (VCV002528402.4), dbSNP rs762262611, ClinGen allele CA1601792.